The following is an entry in ClinVar:

NM_001458.5(FLNC):c.4326C>A (p.Asp1442Glu)

Gene: FLNC (filamin C; plus strand). Cytogenetic location: 7q32.1.
Variant type: single nucleotide variant.
Coding change: c.4326C>A on transcript NM_001458.5 (MANE Select); coding-DNA position 4326, C replaced by A.
Protein change: p.Asp1442Glu; replaces aspartic acid 1442 with glutamic acid.
Molecular consequence: missense variant.
Genome position (GRCh38, 1-based): chr7:128,847,734, C>A. VCF-style: chr7-128847734-C-A. GRCh37 (hg19) VCF-style: chr7-128487788-C-A.
Other names: c.4326C>A, p.Asp1442Glu (NM_001127487.2); short protein forms D1442E.
Identifiers: ClinVar variation 841638 (VCV000841638.10), dbSNP rs1458536220, ClinGen allele CA369201198.
Genomic context (GRCh38, chr7:128,847,734, plus strand): 5'-GTCTAATGTCCTTCTCCTCACAGGGAGCCCGTTCCGCGTGCCAGTGAAGGATGTGGTGGA[C>A]CCTGGGAAGGTGAAGTGCTCAGGGCCAGGGCTGGGGGCTGGTGTCAGGGCCCGGGTTCCT-3'
Protein context (NP_001449.3, residues 1432-1452): PFRVPVKDVV[Asp1442Glu]PGKVKCSGPG

ClinVar aggregate classification (germline): Uncertain significance (1 of 4 stars; one submission).

Conditions:
Myofibrillar myopathy 5. Also called: Filaminopathy (type); FILAMINOPATHY, AUTOSOMAL DOMINANT. Identifiers: Orphanet 171445, MedGen C1836050, MONDO:0012289, OMIM 609524.
Distal myopathy with posterior leg and anterior hand involvement. Also called: WILLIAMS DISTAL MYOPATHY. Identifiers: Orphanet 63273, MedGen C3279722, MONDO:0013550, OMIM 614065.
Hypertrophic cardiomyopathy 26. Also called: Cardiomyopathy, familial hypertrophic, 26. Identifiers: Orphanet 75249, MedGen C4310749, MONDO:0014883, OMIM 617047.

Allele frequency attached by ClinVar (database versions not stated): gnomAD exomes below 0.00001.
gnomAD v4.1: 1 of 1,614,122 alleles (0.000062%); highest among the groups gnomAD compares: South Asian, 0.0011%; no homozygotes.

Submission:

Labcorp Genetics (formerly Invitae), Labcorp
Classification: Uncertain significance for Distal myopathy with posterior leg and anterior hand involvement; Myofibrillar myopathy 5; Hypertrophic cardiomyopathy 26. Last evaluated: 2021-01-06. Review status: criteria provided, single submitter. Criteria: Invitae Variant Classification Sherloc (09022015). Collection method: clinical testing. Allele origin: germline.
Comment: This sequence change replaces aspartic acid with glutamic acid at codon 1442 of the FLNC protein (p.Asp1442Glu). The aspartic acid residue is highly conserved and there is a small physicochemical difference between aspartic acid and glutamic acid. This variant is not present in population databases (ExAC no frequency). This variant has not been reported in the literature in individuals with FLNC-related conditions. Algorithms developed to predict the effect of missense changes on protein structure and function are either unavailable or do not agree on the potential impact of this missense change (SIFT: "Deleterious"; PolyPhen-2: "Probably Damaging"; Align-GVGD: "Class C0"). In summary, the available evidence is currently insufficient to determine the role of this variant in disease. Therefore, it has been classified as a Variant of Uncertain Significance.